The following is an entry in ClinVar:

NM_000059.4(BRCA2):c.5074T>A (p.Trp1692Arg)

Gene: BRCA2 (BRCA2 DNA repair associated; plus strand). Cytogenetic location: 13q13.1.
Variant type: single nucleotide variant.
Coding change: c.5074T>A on transcript NM_000059.4 (MANE Select); coding-DNA position 5074, T replaced by A.
Protein change: p.Trp1692Arg; replaces tryptophan 1692 with arginine.
Molecular consequence: missense variant.
Genome position (GRCh38, 1-based): chr13:32,339,429, T>A. VCF-style: chr13-32339429-T-A. GRCh37 (hg19) VCF-style: chr13-32913566-T-A.
Other names: short protein forms W1692R.
Identifiers: ClinVar variation 568890 (VCV000568890.10), dbSNP rs1566231669, ClinGen allele CA387784067.

ClinVar aggregate classification (germline): Conflicting classifications of pathogenicity. Review status: criteria provided, conflicting classifications (1 of 4 stars). 2 submissions from 2 submitters: Uncertain significance (1); Likely benign (1). Last evaluated 2023-03-23.

Conditions:
Hereditary cancer-predisposing syndrome. Also called: Neoplastic Syndromes, Hereditary; Tumor predisposition; Hereditary neoplastic syndrome; Hereditary Cancer Syndrome. Identifiers: Orphanet 140162, MedGen C0027672, MeSH D009386, MONDO:0015356.
Hereditary breast ovarian cancer syndrome. Also called: Hereditary breast and ovarian cancer syndrome (HBOC); Hereditary breast and ovarian cancer; Hereditary breast and/or ovarian cancer syndrome; Hereditary breast and ovarian cancer syndrome; Breast and ovarian cancer; BRCA1- and BRCA2-Associated Hereditary Breast and Ovarian Cancer. Identifiers: Orphanet 145, MedGen C0677776, MeSH D061325, MONDO:0003582. Disease mechanism: loss of function.

Submissions (2):

University of Washington Department of Laboratory Medicine, University of Washington
Classification: Likely benign for Hereditary cancer-predisposing syndrome. Last evaluated: 2023-03-23. Review status: criteria provided, single submitter. Criteria: Dines et al. (Genet Med. 2020). Collection method: curation. Allele origin: germline.
Comment: Missense variant in a coldspot region where missense variants are very unlikely to be pathogenic (PMID:31911673).

BRCA2 exon 11 coldspot. Reclassification based on statistical prior probability.

Labcorp Genetics (formerly Invitae), Labcorp
Classification: Uncertain significance for Hereditary breast ovarian cancer syndrome. Last evaluated: 2018-04-19. Review status: criteria provided, single submitter. Criteria: Invitae Variant Classification Sherloc (09022015). Collection method: clinical testing. Allele origin: germline.
Comment: This sequence change replaces tryptophan with arginine at codon 1692 of the BRCA2 protein (p.Trp1692Arg). The tryptophan residue is moderately conserved and there is a moderate physicochemical difference between tryptophan and arginine. This variant is not present in population databases (ExAC no frequency). This variant has not been reported in the literature in individuals with BRCA2-related disease. Algorithms developed to predict the effect of missense changes on protein structure and function (SIFT, PolyPhen-2, Align-GVGD) all suggest that this variant is likely to be tolerated, but these predictions have not been confirmed by published functional studies and their clinical significance is uncertain. In summary, the available evidence is currently insufficient to determine the role of this variant in disease. Therefore, it has been classified as a Variant of Uncertain Significance.